The following is an entry in ClinVar:

NM_001844.5(COL2A1):c.2577dup (p.Ala860fs)

Gene: COL2A1 (collagen type II alpha 1 chain; minus strand). Cytogenetic location: 12q13.11.
Variant type: Duplication.
Coding change: c.2577dup on transcript NM_001844.5 (MANE Select); coding-DNA position 2577, one base duplicated (T; older notation c.2577dupT).
Protein change: p.Ala860fs; shifts the reading frame from alanine 860.
Molecular consequence: frameshift variant.
Genome position (GRCh38, 1-based): chr12:47,980,602, A duplicated on the plus strand (T on the coding strand, the reverse complement: COL2A1 is on the minus strand). VCF-style (leftmost placement, unchanged base first): chr12-47980601-C-CA. GRCh37 (hg19) VCF-style: chr12-48374384-C-CA.
Other names: c.2370dup, p.Ala791fs (NM_033150.3); short protein forms A791fs, A860fs.
Identifiers: ClinVar variation 1446038 (VCV001446038.6), dbSNP rs2136537698, ClinGen allele CA2573148577.

ClinVar aggregate classification (germline): Pathogenic (1 of 4 stars; one submission).

Submission:

Labcorp Genetics (formerly Invitae), Labcorp
Classification: Pathogenic. Last evaluated: 2020-12-11. Review status: criteria provided, single submitter. Criteria: Invitae Variant Classification Sherloc (09022015). Collection method: clinical testing. Allele origin: germline.
Comment: This sequence change creates a premature translational stop signal (p.Ala860Cysfs*25) in the COL2A1 gene. It is expected to result in an absent or disrupted protein product. Loss-of-function variants in COL2A1 are known to be pathogenic (PMID: 20179744). For these reasons, this variant has been classified as Pathogenic. This variant has not been reported in the literature in individuals with COL2A1-related conditions. This variant is not present in population databases (ExAC no frequency).

Literature cited by the submitters: PubMed 20179744.